The following is an entry in ClinVar:

NM_031935.3(HMCN1):c.15526C>T (p.Arg5176Cys)

Gene: HMCN1 (hemicentin 1; plus strand). Cytogenetic location: 1q31.1.
Variant type: single nucleotide variant.
Coding change: c.15526C>T on transcript NM_031935.3 (MANE Select); coding-DNA position 15526, C replaced by T.
Protein change: p.Arg5176Cys; replaces arginine 5176 with cysteine.
Molecular consequence: missense variant.
Genome position (GRCh38, 1-based): chr1:186,166,894, C>T. VCF-style: chr1-186166894-C-T. GRCh37 (hg19) VCF-style: chr1-186136026-C-T.
Other names: short protein forms R5176C.
Identifiers: ClinVar variation 2180261 (VCV002180261.4), dbSNP rs376585659, ClinGen allele CA33497236.
Genomic context (GRCh38, chr1:186,166,894, plus strand): 5'-CATACCTGCCACGCTGGTCAGGACTGTGACAATACGATTGGATCTTATCGCTGTGTGGTC[C>T]GTTGTGGAAGTGGCTTTCGAAGAACCTCTGATGGGCTGAGTTGTCAAGGTATAAAAATGG-3'
Protein context (NP_114141.2, residues 5166-5186): NTIGSYRCVV[Arg5176Cys]CGSGFRRTSD

ClinVar aggregate classification (germline): Uncertain significance (1 of 4 stars; one submission).

Allele frequency attached by ClinVar (database versions not stated): TOPMed 0.00003; gnomAD 0.00004; ESP Exome Variant Server 0.00008.
gnomAD v4.1: 113 of 1,613,934 alleles (0.007%); highest among the groups gnomAD compares: Middle Eastern, 0.016%; no homozygotes.

Submission:

Labcorp Genetics (formerly Invitae), Labcorp
Classification: Uncertain significance. Last evaluated: 2026-01-04. Review status: criteria provided, single submitter. Criteria: Invitae Variant Classification Sherloc (09022015). Collection method: clinical testing. Allele origin: germline.
Comment: This sequence change replaces arginine, which is basic and polar, with cysteine, which is neutral and slightly polar, at codon 5176 of the HMCN1 protein (p.Arg5176Cys). This variant is present in population databases (rs376585659, gnomAD 0.005%). This variant has not been reported in the literature in individuals affected with HMCN1-related conditions. ClinVar contains an entry for this variant (Variation ID: 2180261). An algorithm developed to predict the effect of missense changes on protein structure and function (PolyPhen-2) suggests that this variant is likely to be disruptive. In summary, the available evidence is currently insufficient to determine the role of this variant in disease. Therefore, it has been classified as a Variant of Uncertain Significance.